The following is an entry in ClinVar:

ClinVar aggregate classification (germline): Uncertain significance (1 of 4 stars; one submission).

Conditions:
Nemaline myopathy 6 (NEM6). Also called: Nemaline myopathy 6, autosomal dominant. Identifiers: Orphanet 171439, MedGen C1836472, MONDO:0012237, OMIM 609273.

gnomAD v4.1: 3 of 1,590,494 alleles (0.00019%); highest among the groups gnomAD compares: Non-Finnish European, 0.00026%; no homozygotes.

Submission:

Labcorp Genetics (formerly Invitae), Labcorp
Classification: Uncertain significance for Nemaline myopathy 6. Last evaluated: 2025-09-04. Review status: criteria provided, single submitter. Criteria: Invitae Variant Classification Sherloc (09022015). Collection method: clinical testing. Allele origin: germline.
Comment: This sequence change replaces isoleucine, which is neutral and non-polar, with methionine, which is neutral and non-polar, at codon 272 of the KBTBD13 protein (p.Ile272Met). This variant is present in population databases (rs780213660, gnomAD 0.001%). This variant has not been reported in the literature in individuals affected with KBTBD13-related conditions. Invitae Evidence Modeling of protein sequence and biophysical properties (such as structural, functional, and spatial information, amino acid conservation, physicochemical variation, residue mobility, and thermodynamic stability) indicates that this missense variant is not expected to disrupt KBTBD13 protein function with a negative predictive value of 80%. In summary, the available evidence is currently insufficient to determine the role of this variant in disease. Therefore, it has been classified as a Variant of Uncertain Significance.

NM_001101362.3(KBTBD13):c.816C>G (p.Ile272Met)

Gene: KBTBD13 (kelch repeat and BTB domain containing 13; plus strand). Cytogenetic location: 15q22.31.
Variant type: single nucleotide variant.
Coding change: c.816C>G on transcript NM_001101362.3 (MANE Select); coding-DNA position 816, C replaced by G.
Protein change: p.Ile272Met; replaces isoleucine 272 with methionine.
Molecular consequence: missense variant.
Genome position (GRCh38, 1-based): chr15:65,077,631, C>G. VCF-style: chr15-65077631-C-G. GRCh37 (hg19) VCF-style: chr15-65369969-C-G.
Other names: short protein forms I272M.
Identifiers: ClinVar variation 4693726 (VCV004693726.1).